The following is an entry in ClinVar:

NM_002645.4(PIK3C2A):c.1640+5A>G

Gene: PIK3C2A (phosphatidylinositol-4-phosphate 3-kinase catalytic subunit type 2 alpha; minus strand). Cytogenetic location: 11p15.1.
Variant type: single nucleotide variant.
Coding change: c.1640+5A>G on transcript NM_002645.4 (MANE Select); 5 bases into the intron after coding-DNA position 1640, A replaced by G.
Molecular consequence: intron variant.
Genome position (GRCh38, 1-based): chr11:17,145,858, T>C on the plus strand (A>G on the coding strand, the complement: PIK3C2A is on the minus strand). VCF-style: chr11-17145858-T-C. GRCh37 (hg19) VCF-style: chr11-17167405-T-C.
Other names: c.500+5A>G (NM_001321380.2); c.1640+5A>G (NM_001386870.1, NM_001321378.2).
Identifiers: ClinVar variation 2023052 (VCV002023052.4), dbSNP rs980494552, ClinGen allele CA218407982.

ClinVar aggregate classification (germline): Uncertain significance (1 of 4 stars; one submission).

Allele frequency attached by ClinVar (database versions not stated): gnomAD exomes below 0.00001.

Submission:

Labcorp Genetics (formerly Invitae), Labcorp
Classification: Uncertain significance. Last evaluated: 2024-12-02. Review status: criteria provided, single submitter. Criteria: Invitae Variant Classification Sherloc (09022015). Collection method: clinical testing. Allele origin: germline.
Comment: This sequence change falls in intron 7 of the PIK3C2A gene. It does not directly change the encoded amino acid sequence of the PIK3C2A protein. It affects a nucleotide within the consensus splice site. This variant is not present in population databases (gnomAD no frequency). This variant has not been reported in the literature in individuals affected with PIK3C2A-related conditions. ClinVar contains an entry for this variant (Variation ID: 2023052). Variants that disrupt the consensus splice site are a relatively common cause of aberrant splicing (PMID: 17576681, 9536098). Algorithms developed to predict the effect of sequence changes on RNA splicing suggest that this variant is not likely to affect RNA splicing. In summary, the available evidence is currently insufficient to determine the role of this variant in disease. Therefore, it has been classified as a Variant of Uncertain Significance.

Literature cited by the submitters: PubMed 17576681; PubMed 9536098.